The following is an entry in ClinVar:

ClinVar aggregate classification (germline): Benign/Likely benign. Review status: criteria provided, multiple submitters, no conflicts (2 of 4 stars). 6 submissions from 6 submitters: Benign (5); Likely benign (1). Last evaluated 2026-01-28.

Conditions:
Inborn genetic diseases. Identifiers: MedGen C0950123, MeSH D030342.
Intellectual developmental disorder, autosomal dominant 1. Also called: Intellectual disability, autosomal dominant 1; MBD5 Haploinsufficiency. Identifiers: Orphanet 228402, MedGen C1969562, MONDO:0007974, OMIM 156200.

Allele frequency attached by ClinVar (database versions not stated): ExAC 0.00187; gnomAD 0.00545 and 0.00588; ESP Exome Variant Server 0.00546; TOPMed 0.00620; 1000 Genomes Project 30x 0.00671; 1000 Genomes Project 0.00679.
gnomAD v4.1: 1,605 of 1,613,816 alleles (0.099%); highest among the groups gnomAD compares: African/African-American, 1.9%; 11 homozygotes.

Submissions (6):

Labcorp Genetics (formerly Invitae), Labcorp
Classification: Benign for Intellectual developmental disorder, autosomal dominant 1. Last evaluated: 2026-01-28. Review status: criteria provided, single submitter. Criteria: Invitae Variant Classification Sherloc (09022015). Collection method: clinical testing. Allele origin: germline.

Blueprint Genetics
Classification: Likely benign. Last evaluated: 2024-11-06. Review status: criteria provided, single submitter. Criteria: ACMG Guidelines, 2015. Collection method: clinical testing. Allele origin: germline.

Athena Diagnostics
Classification: Benign. Last evaluated: 2018-11-23. Review status: criteria provided, single submitter. Criteria: Athena Diagnostics Criteria. Collection method: clinical testing. Allele origin: germline.

Ambry Genetics
Classification: Benign for Inborn genetic diseases. Last evaluated: 2016-11-02. Review status: criteria provided, single submitter. Criteria: Ambry Variant Classification Scheme 2023. Collection method: clinical testing. Allele origin: germline.

GeneDx
Classification: Benign. Last evaluated: 2013-11-05. Review status: criteria provided, single submitter. Criteria: GeneDx Variant Classification (06012015). Collection method: clinical testing. Allele origin: germline. Affected: yes.
Comment: This variant is considered likely benign or benign based on one or more of the following criteria: it is a conservative change, it occurs at a poorly conserved position in the protein, it is predicted to be benign by multiple in silico algorithms, and/or has population frequency not consistent with disease.

Breakthrough Genomics
Classification: Benign. Review status: criteria provided, single submitter. Criteria: ACMG Guidelines, 2015. Collection method: not provided. Allele origin: germline. Inheritance: Autosomal dominant inheritance. Affected: yes.

NM_001378120.1(MBD5):c.1596A>G (p.Val532=)

Gene: MBD5 (methyl-CpG binding domain protein 5; plus strand). Cytogenetic location: 2q23.1.
Variant type: single nucleotide variant.
Coding change: c.1596A>G on transcript NM_001378120.1 (MANE Select); coding-DNA position 1596, A replaced by G.
Protein change: p.Val532=; no amino-acid change (valine 532 retained).
Molecular consequence: synonymous variant.
Genome position (GRCh38, 1-based): chr2:148,469,539, A>G. VCF-style: chr2-148469539-A-G. GRCh37 (hg19) VCF-style: chr2-149227108-A-G.
Other names: p.V532V:GTA>GTG; c.1596A>G, p.Val532= (NM_018328.5).
Identifiers: ClinVar variation 138175 (VCV000138175.19), dbSNP rs114611333, ClinGen allele CA292021.